The following is an entry in ClinVar:

NM_003742.4(ABCB11):c.2617G>A (p.Gly873Ser)

Genes: ABCB11 (ATP binding cassette subfamily B member 11; minus strand), LOC126806400 (CDK7 strongly-dependent group 2 enhancer GRCh37_chr2:169791870-169793069; plus strand). Cytogenetic location: 2q31.1.
Variant type: single nucleotide variant.
Coding change: c.2617G>A on transcript NM_003742.4 (MANE Select); coding-DNA position 2617, G replaced by A.
Protein change: p.Gly873Ser; replaces glycine 873 with serine.
Molecular consequence: missense variant.
Genome position (GRCh38, 1-based): chr2:168,936,427, C>T on the plus strand (G>A on the coding strand, the complement: ABCB11 is on the minus strand). VCF-style: chr2-168936427-C-T. GRCh37 (hg19) VCF-style: chr2-169792937-C-T.
Other names: NM_003742.4(ABCB11):c.2617G>A; p.Gly873Ser; c.2617G>A (NM_003742.2); short protein forms G873S.
Identifiers: ClinVar variation 808880 (VCV000808880.47), dbSNP rs559849564, ClinGen allele CA1951222.

ClinVar aggregate classification (germline): Conflicting classifications of pathogenicity. Review status: criteria provided, conflicting classifications (1 of 4 stars). 6 submissions from 6 submitters: Likely pathogenic (1); Uncertain significance (4); VUS-high (1). Last evaluated 2026-08-19.

Conditions:
ABCB11-related disorder. Also called: ABCB11-related condition.
Familial intrahepatic cholestasis. Identifiers: Orphanet 284385, MedGen CN296401, MONDO:0017290.
Progressive familial intrahepatic cholestasis type 2. Identifiers: Orphanet 79304, MedGen C3489789, MONDO:0011156, OMIM 601847.

Allele frequency attached by ClinVar (database versions not stated): gnomAD 0.00001; gnomAD exomes 0.00004 and 0.00008; ExAC 0.00006; 1000 Genomes Project 30x 0.00016; 1000 Genomes Project 0.00020.
gnomAD v4.1: 60 of 1,613,832 alleles (0.0037%); highest among the groups gnomAD compares: South Asian, 0.057%; no homozygotes.

Submissions (6):

Molecular Genetics Laboratory, CHU Lille
Classification: VUS-high for Progressive familial intrahepatic cholestasis type 2. Last evaluated: 2026-08-19. Review status: criteria provided, single submitter. Criteria: ACMG Guidelines, 2015. Collection method: clinical testing. Allele origin: germline. Affected: yes.
Comment: The variant is a missense variant in ABCB11. While this variant has been observed in the general population in a heterozygous state, its frequency is not high enough to rule out a pathogenic role. Bioinformatic analyses suggest that this variant may impact the protein. In summary, the clinical significance of this variant is uncertain.

Genomenon, Inc
Classification: Uncertain significance for Familial intrahepatic cholestasis. Last evaluated: 2026-04-14. Review status: criteria provided, single submitter. Criteria: Genomenon Sequence Variant Interpretation Standards - Updated. Collection method: curation. Allele origin: germline. Affected: yes.
Comment: ABCB11 p.Gly873Ser (c.2617G>A) is a missense variant that changes the amino acid at residue 873 from Glycine to Serine. This variant has been observed in at least one proband with an ABCB11-related disorder (PMID:36995996). In silico models predict that this variant is possibly or probably damaging. In conclusion, we classify ABCB11 p.Gly873Ser (c.2617G>A) as a variant of uncertain significance.

PreventionGenetics, part of Exact Sciences
Classification: Uncertain significance for ABCB11-related condition. Last evaluated: 2026-01-26. Review status: criteria provided, single submitter. Criteria: ACMG Guidelines, 2015. Collection method: clinical testing. Allele origin: germline.
Comment: The ABCB11 c.2617G>A variant is predicted to result in the amino acid substitution p.Gly873Ser. This variant has been observed in homozygous state in an individual with progressive familial intrahepatic cholestasis (Table 1, Pfister et al. 2023. PubMed ID: 36995996). This variant is reported in 0.056% of alleles in individuals of South Asian descent in gnomAD. Although we suspect that this variant may be pathogenic, at this time, the clinical significance of this variant is uncertain due to the absence of conclusive functional and genetic evidence.

Broad Center for Mendelian Genomics, Broad Institute of MIT and Harvard
Classification: Uncertain significance for Progressive familial intrahepatic cholestasis type 2. Last evaluated: 2025-01-24. Review status: criteria provided, single submitter. Criteria: ACMG Guidelines, 2015. Collection method: curation. Allele origin: germline. Inheritance: Autosomal recessive inheritance.
Comment: The p.Gly873Ser variant in ABCB11 has been reported, in the homozygous state, in 1 individual with BSEP deficiency (PMID: 36995996), and has been identified in 0.06% (60/91056) of South Asian chromosomes by the Genome Aggregation Database (gnomAD; dbSNP rs559849564). Although this variant has been seen in the general population in a heterozygous state, its frequency is not high enough to rule out a pathogenic role. This variant has also been reported in ClinVar (Variation ID: 808880) and has been interpreted as a variant of uncertain significance by CeGaT Center for Human Genetics Tuebingen and as likely pathogenic by Rolfs Rare Disease Consulting (Rolfs Consulting Und Verwaltungs GmbH). Computational prediction tools and conservation analyses suggest that this variant may impact the protein, though this information is not predictive enough to determine pathogenicity. In summary, while there is some suspicion for a pathogenic role, the clinical significance of this variant is uncertain. ACMG/AMP Criteria applied: PP3_moderate, PM3_supporting (Richards 2015).

Rolfs Rare Disease Consulting, Rolfs Consulting Und Verwaltungs GmbH
Classification: Likely pathogenic for Progressive familial intrahepatic cholestasis type 2. Last evaluated: 2022-01-01. Review status: criteria provided, single submitter. Criteria: ACMG Guidelines, 2015. Collection method: clinical testing. Allele origin: germline. Affected: yes.

CeGaT Center for Human Genetics Tuebingen
Classification: Uncertain significance. Last evaluated: 2019-06-01. Review status: criteria provided, single submitter. Criteria: CeGaT Center For Human Genetics Tuebingen Variant Classification Criteria Version 2. Collection method: clinical testing. Allele origin: germline. Affected: yes. Observed: 4 variant alleles.

Literature cited by the submitters: PubMed 36995996 (cited by Genomenon, Inc).